The following is an entry in ClinVar:

NM_013314.4(BLNK):c.893C>T (p.Pro298Leu)

Genes: BLNK (B cell linker; minus strand), ZNF518A (zinc finger protein 518A; plus strand). Cytogenetic location: 10q24.1.
Variant type: single nucleotide variant.
Coding change: c.893C>T on transcript NM_013314.4 (MANE Select); coding-DNA position 893, C replaced by T.
Protein change: p.Pro298Leu; replaces proline 298 with leucine.
Molecular consequence: missense variant. On other transcripts: non-coding transcript variant (5).
Genome position (GRCh38, 1-based): chr10:96,204,541, G>A on the plus strand (C>T on the coding strand, the complement: BLNK is on the minus strand). VCF-style: chr10-96204541-G-A. GRCh37 (hg19) VCF-style: chr10-97964297-G-A.
Other names: c.824C>T, p.Pro275Leu (NM_001114094.2, NM_001258441.2); c.893C>T, p.Pro298Leu (NM_001258440.2); c.578C>T, p.Pro193Leu (NM_001258442.2); short protein forms P193L, P275L, P298L.
Identifiers: ClinVar variation 1907147 (VCV001907147.5), dbSNP rs2492805154, ClinGen allele CA377720113.

ClinVar aggregate classification (germline): Uncertain significance (1 of 4 stars; one submission).

Conditions:
Agammaglobulinemia 4, autosomal recessive (AGM4). Also called: AGAMMAGLOBULINEMIA, AUTOSOMAL RECESSIVE, DUE TO BLNK DEFECT; B cell linker protein deficiency. Identifiers: MedGen C3150752, MONDO:0013289, OMIM 613502.

Allele frequency attached by ClinVar (database versions not stated): gnomAD exomes below 0.00001.
gnomAD v4.1: 4 of 1,613,998 alleles (0.00025%); highest among the groups gnomAD compares: Middle Eastern, 0.033%; no homozygotes.

Submission:

Labcorp Genetics (formerly Invitae), Labcorp
Classification: Uncertain significance for Agammaglobulinemia 4, autosomal recessive. Last evaluated: 2024-02-17. Review status: criteria provided, single submitter. Criteria: Invitae Variant Classification Sherloc (09022015). Collection method: clinical testing. Allele origin: germline.
Comment: This sequence change replaces proline, which is neutral and non-polar, with leucine, which is neutral and non-polar, at codon 298 of the BLNK protein (p.Pro298Leu). This variant is not present in population databases (gnomAD no frequency). This variant has not been reported in the literature in individuals affected with BLNK-related conditions. ClinVar contains an entry for this variant (Variation ID: 1907147). Advanced modeling of protein sequence and biophysical properties (such as structural, functional, and spatial information, amino acid conservation, physicochemical variation, residue mobility, and thermodynamic stability) performed at Invitae indicates that this missense variant is not expected to disrupt BLNK protein function with a negative predictive value of 80%. In summary, the available evidence is currently insufficient to determine the role of this variant in disease. Therefore, it has been classified as a Variant of Uncertain Significance.